The following is an entry in ClinVar:

ClinVar aggregate classification (germline): Uncertain significance. Review status: criteria provided, multiple submitters, no conflicts (2 of 4 stars). 2 submissions from 2 submitters: Uncertain significance (2). Last evaluated 2025-07-14.

Conditions:
Progressive familial heart block type IB (PFHB1B). Identifiers: Orphanet 871, MedGen C1970298, MONDO:0011474, OMIM 604559.
Cardiovascular phenotype. Identifiers: MedGen CN230736.

Allele frequency attached by ClinVar (database versions not stated): gnomAD exomes below 0.00001 and 0.00001; ExAC 0.00002; ESP Exome Variant Server 0.00008.
gnomAD v4.1: 9 of 1,614,048 alleles (0.00056%); highest among the groups gnomAD compares: African/African-American, 0.0053%; no homozygotes.

Submissions (2):

Labcorp Genetics (formerly Invitae), Labcorp
Classification: Uncertain significance for Progressive familial heart block type IB. Last evaluated: 2025-07-14. Review status: criteria provided, single submitter. Criteria: Invitae Variant Classification Sherloc (09022015). Collection method: clinical testing. Allele origin: germline.
Comment: This sequence change replaces arginine, which is basic and polar, with histidine, which is basic and polar, at codon 664 of the TRPM4 protein (p.Arg664His). This variant is present in population databases (rs367897902, gnomAD 0.01%). This variant has not been reported in the literature in individuals affected with TRPM4-related conditions. ClinVar contains an entry for this variant (Variation ID: 1464736). An algorithm developed to predict the effect of missense changes on protein structure and function (PolyPhen-2) suggests that this variant is likely to be disruptive. In summary, the available evidence is currently insufficient to determine the role of this variant in disease. Therefore, it has been classified as a Variant of Uncertain Significance.

Ambry Genetics
Classification: Uncertain significance for Cardiovascular phenotype. Last evaluated: 2024-05-17. Review status: criteria provided, single submitter. Criteria: Ambry Variant Classification Scheme 2023. Collection method: clinical testing. Allele origin: germline.
Comment: The p.R664H variant (also known as c.1991G>A), located in coding exon 14 of the TRPM4 gene, results from a G to A substitution at nucleotide position 1991. The arginine at codon 664 is replaced by histidine, an amino acid with highly similar properties. This amino acid position is highly conserved in available vertebrate species. In addition, this alteration is predicted to be tolerated by in silico analysis. Since supporting evidence is limited at this time, the clinical significance of this alteration remains unclear.

NM_017636.4(TRPM4):c.1991G>A (p.Arg664His)

Gene: TRPM4 (transient receptor potential cation channel subfamily M member 4; plus strand). Cytogenetic location: 19q13.33.
Variant type: single nucleotide variant.
Coding change: c.1991G>A on transcript NM_017636.4 (MANE Select); coding-DNA position 1991, G replaced by A.
Protein change: p.Arg664His; replaces arginine 664 with histidine.
Molecular consequence: missense variant.
Genome position (GRCh38, 1-based): chr19:49,189,063, G>A. VCF-style: chr19-49189063-G-A. GRCh37 (hg19) VCF-style: chr19-49692320-G-A.
Other names: c.1991G>A, p.Arg664His (NM_001195227.2); c.1646G>A, p.Arg549His (NM_001321281.2); c.383G>A, p.Arg128His (NM_001321282.2); c.1469G>A, p.Arg490His (NM_001321283.2); c.929G>A, p.Arg310His (NM_001321285.2); short protein forms R490H, R310H, R549H, R664H, R128H.
Identifiers: ClinVar variation 1464736 (VCV001464736.9), dbSNP rs367897902, ClinGen allele CA9569392.